The following is an entry in ClinVar:

ClinVar aggregate classification (germline): Uncertain significance (1 of 4 stars; one submission).

Conditions:
Emery-Dreifuss muscular dystrophy 5, autosomal dominant (EDMD5). Also called: EMERY-DREIFUSS MUSCULAR DYSTROPHY 5. Identifiers: Orphanet 261, MedGen C2751805, MONDO:0013072, OMIM 612999.

Submission:

Labcorp Genetics (formerly Invitae), Labcorp
Classification: Uncertain significance for Emery-Dreifuss muscular dystrophy 5, autosomal dominant. Last evaluated: 2023-04-24. Review status: criteria provided, single submitter. Criteria: Invitae Variant Classification Sherloc (09022015). Collection method: clinical testing. Allele origin: germline.
Comment: This variant has not been reported in the literature in individuals affected with SYNE2-related conditions. In summary, the available evidence is currently insufficient to determine the role of this variant in disease. Therefore, it has been classified as a Variant of Uncertain Significance. Algorithms developed to predict the effect of missense changes on protein structure and function output the following: SIFT: "Not Available"; PolyPhen-2: "Benign"; Align-GVGD: "Not Available". The serine amino acid residue is found in multiple mammalian species, which suggests that this missense change does not adversely affect protein function. ClinVar contains an entry for this variant (Variation ID: 2047640). This variant is not present in population databases (gnomAD no frequency). This sequence change replaces asparagine, which is neutral and polar, with serine, which is neutral and polar, at codon 2919 of the SYNE2 protein (p.Asn2919Ser).

NM_182914.3(SYNE2):c.8756A>G (p.Asn2919Ser)

Gene: SYNE2 (spectrin repeat containing nuclear envelope protein 2; plus strand). Cytogenetic location: 14q23.2.
Variant type: single nucleotide variant.
Coding change: c.8756A>G on transcript NM_182914.3 (MANE Select); coding-DNA position 8756, A replaced by G.
Protein change: p.Asn2919Ser; replaces asparagine 2919 with serine.
Molecular consequence: missense variant.
Genome position (GRCh38, 1-based): chr14:64,052,669, A>G. VCF-style: chr14-64052669-A-G. GRCh37 (hg19) VCF-style: chr14-64519387-A-G.
Other names: c.8756A>G, p.Asn2919Ser (NM_015180.6); short protein forms N2919S.
Identifiers: ClinVar variation 2047640 (VCV002047640.4), dbSNP rs371285046, ClinGen allele CA389970954.